The following is an entry in ClinVar:

ClinVar aggregate classification (germline): Pathogenic (1 of 4 stars; one submission).

Submission:

Labcorp Genetics (formerly Invitae), Labcorp
Classification: Pathogenic. Last evaluated: 2023-03-17. Review status: criteria provided, single submitter. Criteria: Invitae Variant Classification Sherloc (09022015). Collection method: clinical testing. Allele origin: germline.
Comment: For these reasons, this variant has been classified as Pathogenic. This variant has not been reported in the literature in individuals affected with ANO10-related conditions. This variant is not present in population databases (gnomAD no frequency). This sequence change creates a premature translational stop signal (p.Thr274Glyfs*5) in the ANO10 gene. It is expected to result in an absent or disrupted protein product. Loss-of-function variants in ANO10 are known to be pathogenic (PMID: 25089919).

Literature cited by the submitters: PubMed 25089919.

NM_018075.5(ANO10):c.818_819dup (p.Thr274fs)

Gene: ANO10 (anoctamin 10; minus strand). Cytogenetic location: 3p22.1.
Variant type: Duplication.
Coding change: c.818_819dup on transcript NM_018075.5 (MANE Select); coding-DNA positions 818 to 819, 2 bases duplicated (GG; older notation c.818_819dupGG).
Protein change: p.Thr274fs; shifts the reading frame from threonine 274.
Molecular consequence: frameshift variant. On other transcripts: intron variant (1).
Genome position (GRCh38, 1-based): chr3:43,577,035-43,577,036, CC duplicated on the plus strand (GG on the coding strand, the reverse complement: ANO10 is on the minus strand); duplicating any 2 consecutive bases within chr3:43,577,035-43,577,039 gives the same sequence; the c. name uses the placement nearest the transcript's 3' end. VCF-style (leftmost placement, unchanged base first): chr3-43577034-T-TCC. GRCh37 (hg19) VCF-style: chr3-43618526-T-TCC.
Other names: c.818_819dup, p.Thr274fs (NM_001204831.3, NM_001346463.2, NM_001346464.2 and 3 more transcripts); c.620_621dup, p.Thr208fs (NM_001204832.3, NM_001346466.2, NM_001346469.2); c.485_486dup, p.Thr163fs (NM_001204833.3); c.593-2172_593-2171dup (NM_001204834.3); short protein forms T208fs, T274fs, T163fs.
Identifiers: ClinVar variation 2846516 (VCV002846516.3), dbSNP rs2529376937, ClinGen allele CA2739279908.